The following is an entry in ClinVar:

ClinVar aggregate classification (germline): Uncertain significance (1 of 4 stars; one submission).

Submission:

Labcorp Genetics (formerly Invitae), Labcorp
Classification: Uncertain significance. Last evaluated: 2021-09-01. Review status: criteria provided, single submitter. Criteria: Invitae Variant Classification Sherloc (09022015). Collection method: clinical testing. Allele origin: germline.
Comment: This sequence change replaces glycine with serine at codon 394 of the COL4A4 protein (p.Gly394Ser). The glycine residue is highly conserved and there is a small physicochemical difference between glycine and serine. This variant is not present in population databases (ExAC no frequency). This variant has not been reported in the literature in individuals affected with COL4A4-related conditions. Algorithms developed to predict the effect of missense changes on protein structure and function are either unavailable or do not agree on the potential impact of this missense change (SIFT: "Deleterious"; PolyPhen-2: "Probably Damaging"; Align-GVGD: "Class C0"). In summary, the available evidence is currently insufficient to determine the role of this variant in disease. Therefore, it has been classified as a Variant of Uncertain Significance.

NM_000092.5(COL4A4):c.1180G>A (p.Gly394Ser)

Gene: COL4A4 (collagen type IV alpha 4 chain; minus strand). Cytogenetic location: 2q36.3.
Variant type: single nucleotide variant.
Coding change: c.1180G>A on transcript NM_000092.5 (MANE Select); coding-DNA position 1180, G replaced by A.
Protein change: p.Gly394Ser; replaces glycine 394 with serine.
Molecular consequence: missense variant.
Genome position (GRCh38, 1-based): chr2:227,098,718, C>T on the plus strand (G>A on the coding strand, the complement: COL4A4 is on the minus strand). VCF-style: chr2-227098718-C-T. GRCh37 (hg19) VCF-style: chr2-227963434-C-T.
Other names: short protein forms G394S.
Identifiers: ClinVar variation 1061356 (VCV001061356.6), dbSNP rs2150739370, ClinGen allele CA350853877.
Genomic context (GRCh38, chr2:227,098,718, plus strand): 5'-ACCTGTAAAAGCCAGGGCACATCAGGGCATCCGTACCTGCACAGGCTTCCCCTGGTCTGC[C>T]CAAGAGACCTGGGGGACCAGGTGGTCCAACATCCCCTGTTTCTCCATAGCGGCCAGGGAA-3'
Protein context (NP_000083.3, residues 384-404): VGPPGPPGLL[Gly394Ser]RPGEACAGMI